The following is an entry in ClinVar:

NM_000760.4(CSF3R):c.1580C>T (p.Pro527Leu)

Gene: CSF3R (colony stimulating factor 3 receptor; minus strand). Cytogenetic location: 1p34.3.
Variant type: single nucleotide variant.
Coding change: c.1580C>T on transcript NM_000760.4 (MANE Select); coding-DNA position 1580, C replaced by T.
Protein change: p.Pro527Leu; replaces proline 527 with leucine.
Molecular consequence: missense variant.
Genome position (GRCh38, 1-based): chr1:36,468,218, G>A on the plus strand (C>T on the coding strand, the complement: CSF3R is on the minus strand). VCF-style: chr1-36468218-G-A. GRCh37 (hg19) VCF-style: chr1-36933819-G-A.
Other names: c.1580C>T, p.Pro527Leu (NM_156039.3, NM_172313.3); short protein forms P527L.
Identifiers: ClinVar variation 3695073 (VCV003695073.2).

ClinVar aggregate classification (germline): Uncertain significance (1 of 4 stars; one submission).

Conditions:
Autosomal recessive severe congenital neutropenia due to CSF3R deficiency. Also called: Neutropenia, severe congenital, 7, autosomal recessive. Identifiers: Orphanet 420702, MedGen C4310764, MONDO:0014865, OMIM 617014.

gnomAD v4.1: 21 of 1,580,666 alleles (0.0013%); highest among the groups gnomAD compares: Non-Finnish European, 0.0016%; no homozygotes.

Submission:

Labcorp Genetics (formerly Invitae), Labcorp
Classification: Uncertain significance for Autosomal recessive severe congenital neutropenia due to CSF3R deficiency. Last evaluated: 2024-10-03. Review status: criteria provided, single submitter. Criteria: Invitae Variant Classification Sherloc (09022015). Collection method: clinical testing. Allele origin: germline.
Comment: This sequence change replaces proline, which is neutral and non-polar, with leucine, which is neutral and non-polar, at codon 527 of the CSF3R protein (p.Pro527Leu). This variant is present in population databases (no rsID available, gnomAD 0.002%). This variant has not been reported in the literature in individuals affected with CSF3R-related conditions. Invitae Evidence Modeling of protein sequence and biophysical properties (such as structural, functional, and spatial information, amino acid conservation, physicochemical variation, residue mobility, and thermodynamic stability) indicates that this missense variant is not expected to disrupt CSF3R protein function with a negative predictive value of 80%. In summary, the available evidence is currently insufficient to determine the role of this variant in disease. Therefore, it has been classified as a Variant of Uncertain Significance.